The following is an entry in ClinVar:

NM_001136271.3(NKX2-6):c.670G>A (p.Gly224Arg)

Gene: NKX2-6 (NK2 homeobox 6; minus strand). Cytogenetic location: 8p21.2.
Variant type: single nucleotide variant.
Coding change: c.670G>A on transcript NM_001136271.3 (MANE Select); coding-DNA position 670, G replaced by A.
Protein change: p.Gly224Arg; replaces glycine 224 with arginine.
Molecular consequence: missense variant.
Genome position (GRCh38, 1-based): chr8:23,702,687, C>T on the plus strand (G>A on the coding strand, the complement: NKX2-6 is on the minus strand). VCF-style: chr8-23702687-C-T. GRCh37 (hg19) VCF-style: chr8-23560200-C-T.
Other names: short protein forms G224R.
Identifiers: ClinVar variation 4737509 (VCV004737509.1).
Genomic context (GRCh38, chr8:23,702,687, plus strand): 5'-AGCAAGAGTAGGGCGACACTGCTGCACTGTAGGGGCTGGGGAAGGCAGGTGCGCCGGGCC[C>T]GGGGCCCAGGCAGGGCTTGCCATCGCGCACCAGGACGGGCACAGCTACTCGGCGCGGCGT-3'
Protein context (NP_001129743.2, residues 214-234): VRDGKPCLGP[Gly224Arg]PGAPAFPSPY

ClinVar aggregate classification (germline): Uncertain significance (1 of 4 stars; one submission).

Conditions:
Conotruncal heart malformations (CTHM). Also called: Conotruncal heart malformations, variable. Identifiers: Orphanet 2445, Orphanet 3384, Orphanet 3426, MedGen C1857586, MONDO:0016581, OMIM 217095.

Submission:

Labcorp Genetics (formerly Invitae), Labcorp
Classification: Uncertain significance for Conotruncal heart malformations. Last evaluated: 2026-01-25. Review status: criteria provided, single submitter. Criteria: Invitae Variant Classification Sherloc (09022015). Collection method: clinical testing. Allele origin: germline.
Comment: This sequence change replaces glycine, which is neutral and non-polar, with arginine, which is basic and polar, at codon 224 of the NKX2-6 protein (p.Gly224Arg). This variant is present in population databases (no rsID available, gnomAD 0.03%). This variant has not been reported in the literature in individuals affected with NKX2-6-related conditions. Invitae Evidence Modeling of protein sequence and biophysical properties (such as structural, functional, and spatial information, amino acid conservation, physicochemical variation, residue mobility, and thermodynamic stability) indicates that this missense variant is not expected to disrupt NKX2-6 protein function with a negative predictive value of 80%. In summary, the available evidence is currently insufficient to determine the role of this variant in disease. Therefore, it has been classified as a Variant of Uncertain Significance.